The following is an entry in ClinVar:

NM_005902.4(SMAD3):c.56A>G (p.Lys19Arg)

Gene: SMAD3 (SMAD family member 3; plus strand). Cytogenetic location: 15q22.33.
Variant type: single nucleotide variant.
Coding change: c.56A>G on transcript NM_005902.4 (MANE Select); coding-DNA position 56, A replaced by G.
Protein change: p.Lys19Arg; replaces lysine 19 with arginine.
Molecular consequence: missense variant.
Genome position (GRCh38, 1-based): chr15:67,066,210, A>G. VCF-style: chr15-67066210-A-G. GRCh37 (hg19) VCF-style: chr15-67358548-A-G.
Other names: short protein forms K19R.
Identifiers: ClinVar variation 1171048 (VCV001171048.4), dbSNP rs1959912294, ClinGen allele CA393202779.

ClinVar aggregate classification (germline): Uncertain significance. Review status: criteria provided, multiple submitters, no conflicts (2 of 4 stars). 2 submissions from 2 submitters: Uncertain significance (2). Last evaluated 2024-12-19.

Conditions:
Familial thoracic aortic aneurysm and aortic dissection (TAAD). Also called: Thoracic aortic aneurysms and dissections. Identifiers: Orphanet 91387, MedGen C4707243, MONDO:0019625.

Allele frequency attached by ClinVar (database versions not stated): gnomAD exomes below 0.00001.
gnomAD v4.1: 1 of 1,612,856 alleles (0.000062%); highest among the groups gnomAD compares: Non-Finnish European, 0.000085%; no homozygotes.

Submissions (2):

Labcorp Genetics (formerly Invitae), Labcorp
Classification: Uncertain significance for Familial thoracic aortic aneurysm and aortic dissection. Last evaluated: 2024-12-19. Review status: criteria provided, single submitter. Criteria: Invitae Variant Classification Sherloc (09022015). Collection method: clinical testing. Allele origin: germline.
Comment: This sequence change replaces lysine, which is basic and polar, with arginine, which is basic and polar, at codon 19 of the SMAD3 protein (p.Lys19Arg). This variant is not present in population databases (gnomAD no frequency). This variant has not been reported in the literature in individuals affected with SMAD3-related conditions. ClinVar contains an entry for this variant (Variation ID: 1171048). Invitae Evidence Modeling of protein sequence and biophysical properties (such as structural, functional, and spatial information, amino acid conservation, physicochemical variation, residue mobility, and thermodynamic stability) indicates that this missense variant is not expected to disrupt SMAD3 protein function with a negative predictive value of 80%. In summary, the available evidence is currently insufficient to determine the role of this variant in disease. Therefore, it has been classified as a Variant of Uncertain Significance.

Color Diagnostics, LLC DBA Color Health
Classification: Uncertain significance for Familial thoracic aortic aneurysm and aortic dissection. Last evaluated: 2020-06-29. Review status: criteria provided, single submitter. Criteria: ACMG Guidelines, 2015. Collection method: clinical testing. Allele origin: germline.
Comment: This missense variant replaces lysine with arginine at codon 19 of the SMAD3 protein. Computational prediction suggests that this variant may not impact protein structure and function (internally defined REVEL score threshold <= 0.5, PMID: 27666373). Functional studies have shown that this variant attenuated p300-dependent acetylation and disrupted DNA binding of the protein (PMID: 17074756). This variant has not been reported in individuals affected with cardiovascular disorders in the literature. This variant has not been identified in the general population by the Genome Aggregation Database (gnomAD). The available evidence is insufficient to determine the role of this variant in disease conclusively. Therefore, this variant is classified as a Variant of Uncertain Significance.